The following is an entry in ClinVar:

NM_139058.3(ARX):c.1389C>T (p.Ser463=)

Gene: ARX (aristaless related homeobox; minus strand). Cytogenetic location: Xp21.3.
Variant type: single nucleotide variant.
Coding change: c.1389C>T on transcript NM_139058.3 (MANE Select); coding-DNA position 1389, C replaced by T.
Protein change: p.Ser463=; no amino-acid change (serine 463 retained).
Molecular consequence: synonymous variant.
Genome position (GRCh38, 1-based): chrX:25,007,170, G>A on the plus strand (C>T on the coding strand, the complement: ARX is on the minus strand). VCF-style: chrX-25007170-G-A. GRCh37 (hg19) VCF-style: chrX-25025287-G-A.
Identifiers: ClinVar variation 1631996 (VCV001631996.32), dbSNP rs760617042, ClinGen allele CA10373803.

ClinVar aggregate classification (germline): Likely benign. Review status: criteria provided, multiple submitters, no conflicts (2 of 4 stars). 2 submissions from 2 submitters: Likely benign (2). Last evaluated 2025-11-16.

Conditions:
Developmental and epileptic encephalopathy, 1 (DEE1). Also called: X-linked infantile spasms; West's syndrome; Tonic spasms with clustering, arrest of psychomotor development and hypsarrhythmia on EEG; X-Linked Infantile Spasm Syndrome; INFANTILE SPASM SYNDROME, X-LINKED 1; Epileptic encephalopathy, early infantile, 1. Identifiers: MedGen C3463992, MONDO:0010632, OMIM 308350. Disease mechanism: loss of function.
Intellectual disability, X-linked, with or without seizures, ARX-related. Also called: MENTAL RETARDATION, X-LINKED 29; MENTAL RETARDATION, X-LINKED 32; MENTAL RETARDATION, X-LINKED 33; MENTAL RETARDATION, X-LINKED 38; MENTAL RETARDATION, X-LINKED 43; MENTAL RETARDATION, X-LINKED 76. Identifiers: Orphanet 777, MedGen C0796244, MONDO:0010317, OMIM 300419.

Allele frequency attached by ClinVar (database versions not stated): TOPMed 0.00001; ExAC 0.00003; gnomAD exomes 0.00003; gnomAD 0.00004 and 0.00005; 1000 Genomes Project 30x 0.00021.
gnomAD v4.1: 37 of 1,196,365 alleles (0.0031%); highest among the groups gnomAD compares: Admixed American, 0.0089%; no homozygotes.

Submissions (2):

Labcorp Genetics (formerly Invitae), Labcorp
Classification: Likely benign for Developmental and epileptic encephalopathy, 1; Intellectual disability, X-linked, with or without seizures, ARX-related. Last evaluated: 2025-11-16. Review status: criteria provided, single submitter. Criteria: Invitae Variant Classification Sherloc (09022015). Collection method: clinical testing. Allele origin: germline.

CeGaT Center for Human Genetics Tuebingen
Classification: Likely benign. Last evaluated: 2023-02-01. Review status: criteria provided, single submitter. Criteria: CeGaT Center For Human Genetics Tuebingen Variant Classification Criteria Version 2. Collection method: clinical testing. Allele origin: germline. Affected: yes. Observed: 1 variant allele.
Comment: ARX: BP4, BP7, BS2